The following is an entry in ClinVar:

NM_014639.4(SKIC3):c.4252del (p.Ala1418fs)

Gene: SKIC3 (SKI3 subunit of superkiller complex; minus strand). Cytogenetic location: 5q15.
Variant type: Deletion.
Coding change: c.4252del on transcript NM_014639.4 (MANE Select); coding-DNA position 4252, one base deleted (G; older notation c.4252delG).
Protein change: p.Ala1418fs; shifts the reading frame from alanine 1418.
Molecular consequence: frameshift variant.
Genome position (GRCh38, 1-based): chr5:95,478,403, C deleted on the plus strand (G on the coding strand, the reverse complement: SKIC3 is on the minus strand). VCF-style (leftmost placement, unchanged base first): chr5-95478402-GC-G. GRCh37 (hg19) VCF-style: chr5-94814106-GC-G.
Other names: short protein forms A1418fs.
Identifiers: ClinVar variation 3691246 (VCV003691246.2).

ClinVar aggregate classification (germline): Pathogenic (1 of 4 stars; one submission).

Submission:

Labcorp Genetics (formerly Invitae), Labcorp
Classification: Pathogenic. Last evaluated: 2024-12-24. Review status: criteria provided, single submitter. Criteria: Invitae Variant Classification Sherloc (09022015). Collection method: clinical testing. Allele origin: germline.
Comment: This sequence change creates a premature translational stop signal (p.Ala1418Leufs*27) in the TTC37 gene. It is expected to result in an absent or disrupted protein product. Loss-of-function variants in TTC37 are known to be pathogenic (PMID: 20176027, 21120949). This variant is not present in population databases (gnomAD no frequency). This variant has not been reported in the literature in individuals affected with TTC37-related conditions. For these reasons, this variant has been classified as Pathogenic.

Literature cited by the submitters: PubMed 20176027; PubMed 21120949.